The following is an entry in ClinVar:

NM_004184.4(WARS1):c.709G>C (p.Asp237His)

Gene: WARS1 (tryptophanyl-tRNA synthetase 1; minus strand). Cytogenetic location: 14q32.2.
Variant type: single nucleotide variant.
Coding change: c.709G>C on transcript NM_004184.4 (MANE Select); coding-DNA position 709, G replaced by C.
Protein change: p.Asp237His; replaces aspartic acid 237 with histidine.
Molecular consequence: missense variant.
Genome position (GRCh38, 1-based): chr14:100,353,703, C>G on the plus strand (G>C on the coding strand, the complement: WARS1 is on the minus strand). VCF-style: chr14-100353703-C-G. GRCh37 (hg19) VCF-style: chr14-100820040-C-G.
Other names: c.709G>C, p.Asp237His (NM_173701.2); c.586G>C, p.Asp196His (NM_213645.2, NM_213646.2); short protein forms D196H, D237H.
Identifiers: ClinVar variation 3373571 (VCV003373571.1).

ClinVar aggregate classification (germline): Uncertain significance (1 of 4 stars; one submission).

Submission:

GeneDx
Classification: Uncertain significance. Last evaluated: 2024-03-04. Review status: criteria provided, single submitter. Criteria: GeneDx Variant Classification Process June 2021. Collection method: clinical testing. Allele origin: germline. Affected: yes.
Comment: Not observed at significant frequency in large population cohorts (gnomAD); In silico analysis supports that this missense variant has a deleterious effect on protein structure/function; Has not been previously published as pathogenic or benign to our knowledge